The following is an entry in ClinVar:

NM_001283009.2(RTEL1):c.3259A>G (p.Lys1087Glu)

Genes: RTEL1-TNFRSF6B (RTEL1-TNFRSF6B readthrough (NMD candidate); plus strand), RTEL1 (regulator of telomere elongation helicase 1; plus strand). Cytogenetic location: 20q13.33.
Variant type: single nucleotide variant.
Coding change: c.3259A>G on transcript NM_001283009.2 (MANE Select); coding-DNA position 3259, A replaced by G.
Protein change: p.Lys1087Glu; replaces lysine 1087 with glutamic acid.
Molecular consequence: missense variant. On other transcripts: non-coding transcript variant (1).
Genome position (GRCh38, 1-based): chr20:63,694,890, A>G. VCF-style: chr20-63694890-A-G. GRCh37 (hg19) VCF-style: chr20-62326243-A-G.
Other names: c.3331A>G (NM_032957.4); c.2590A>G, p.Lys864Glu (NM_001283010.1); c.3259A>G, p.Lys1087Glu (NM_016434.4); c.3331A>G, p.Lys1111Glu (NM_032957.5); short protein forms K1087E, K1111E, K864E.
Identifiers: ClinVar variation 1912804 (VCV001912804.6), dbSNP rs2517198603, ClinGen allele CA409685061.

ClinVar aggregate classification (germline): Uncertain significance. Review status: criteria provided, multiple submitters, no conflicts (2 of 4 stars). 3 submissions from 3 submitters: Uncertain significance (3). Last evaluated 2026-04-15.

Conditions:
Inborn genetic diseases. Identifiers: MedGen C0950123, MeSH D030342.
Pulmonary fibrosis and/or bone marrow failure, Telomere-related, 3. Also called: PULMONARY FIBROSIS AND/OR BONE MARROW FAILURE SYNDROME, TELOMERE-RELATED, 3. Identifiers: Orphanet 2032, MedGen C4225346, MONDO:0014613, OMIM 616373.
Dyskeratosis congenita, autosomal recessive 5 (DKCB5). Identifiers: MedGen C3554656, MONDO:0014076, OMIM 615190.
Pulmonary fibrosis. Identifiers: MedGen C0034069, MONDO:0002771, HP:0002206.

Allele frequency attached by ClinVar (database versions not stated): gnomAD exomes 0.00001.
gnomAD v4.1: 10 of 1,612,558 alleles (0.00062%); highest among the groups gnomAD compares: Non-Finnish European, 0.00085%; no homozygotes.

Submissions (3):

Ambry Genetics
Classification: Uncertain significance for Inborn genetic diseases. Last evaluated: 2026-04-15. Review status: criteria provided, single submitter. Criteria: Ambry Variant Classification Scheme 2023. Collection method: clinical testing. Allele origin: germline.

Labcorp Genetics (formerly Invitae), Labcorp
Classification: Uncertain significance for Dyskeratosis congenita, autosomal recessive 5; Pulmonary fibrosis and/or bone marrow failure, Telomere-related, 3. Last evaluated: 2024-04-15. Review status: criteria provided, single submitter. Criteria: Invitae Variant Classification Sherloc (09022015). Collection method: clinical testing. Allele origin: germline.
Comment: This sequence change replaces lysine, which is basic and polar, with glutamic acid, which is acidic and polar, at codon 1087 of the RTEL1 protein (p.Lys1087Glu). This variant is not present in population databases (gnomAD no frequency). This variant has not been reported in the literature in individuals affected with RTEL1-related conditions. ClinVar contains an entry for this variant (Variation ID: 1912804). An algorithm developed to predict the effect of missense changes on protein structure and function (PolyPhen-2) suggests that this variant is likely to be disruptive. In summary, the available evidence is currently insufficient to determine the role of this variant in disease. Therefore, it has been classified as a Variant of Uncertain Significance.

Cambridge Genomics Laboratory, East Genomic Laboratory Hub, NHS Genomic Medicine Service
Classification: Uncertain significance for Pulmonary fibrosis. Last evaluated: 2019-04-17. Review status: criteria provided, single submitter. Criteria: ACGS Best Practice Guidelines for Variant Classification in Rare Disease 2020. Collection method: clinical testing. Allele origin: germline. Affected: yes. Observed: 1 variant allele.